The following is an entry in ClinVar:

NM_003243.5(TGFBR3):c.2241G>A (p.Thr747=)

Gene: TGFBR3 (transforming growth factor beta receptor 3; minus strand). Cytogenetic location: 1p22.1.
Variant type: single nucleotide variant.
Coding change: c.2241G>A on transcript NM_003243.5 (MANE Select); coding-DNA position 2241, G replaced by A.
Protein change: p.Thr747=; no amino-acid change (threonine 747 retained).
Molecular consequence: synonymous variant. On other transcripts: non-coding transcript variant (1).
Genome position (GRCh38, 1-based): chr1:91,708,709, C>T on the plus strand (G>A on the coding strand, the complement: TGFBR3 is on the minus strand). VCF-style: chr1-91708709-C-T. GRCh37 (hg19) VCF-style: chr1-92174266-C-T.
Other names: c.2238G>A, p.Thr746= (NM_001195683.2, NM_001195684.1).
Identifiers: ClinVar variation 3041819 (VCV003041819.2), dbSNP rs151016095, ClinGen allele CA947594.

ClinVar aggregate classification (germline): Likely benign (0 of 4 stars; one submission).

Conditions:
TGFBR3-related disorder. Also called: TGFBR3-related condition.

Allele frequency attached by ClinVar (database versions not stated): gnomAD 0.00002; TOPMed 0.00002; ExAC 0.00007; ESP Exome Variant Server 0.00008; gnomAD exomes 0.00008.
gnomAD v4.1: 115 of 1,613,942 alleles (0.0071%); highest among the groups gnomAD compares: Non-Finnish European, 0.0087%; no homozygotes.

Submission:

PreventionGenetics, part of Exact Sciences
Classification: Likely benign for TGFBR3-related condition. Last evaluated: 2019-06-04. Review status: no assertion criteria provided. Collection method: clinical testing. Allele origin: germline.
Comment: This variant is classified as likely benign based on ACMG/AMP sequence variant interpretation guidelines (Richards et al. 2015 PMID: 25741868, with internal and published modifications).